The following is an entry in ClinVar:

ClinVar aggregate classification (germline): Uncertain significance (1 of 4 stars; one submission).

Conditions:
Pheochromocytoma. Also called: MAX-Related Hereditary Paraganglioma-Pheochromocytoma Syndrome. Identifiers: Orphanet 29072, MedGen C0031511, MONDO:0008233, OMIM 171300, HP:0002666.
Pheochromocytoma/paraganglioma syndrome 4. Also called: CAROTID BODY TUMORS AND MULTIPLE EXTRAADRENAL PHEOCHROMOCYTOMAS; PARAGANGLIOMA, FAMILIAL MALIGNANT; PARAGANGLIOMAS, HEREDITARY EXTRAADRENAL; PHEOCHROMOCYTOMA, FAMILIAL EXTRAADRENAL; Paragangliomas 4; SDHB-Related Hereditary Paraganglioma-Pheochromocytoma Syndrome (Paragangliomas 4). Identifiers: Orphanet 29072, MedGen C1861848, MONDO:0007273, OMIM 115310.
Gastrointestinal stromal tumor. Also called: Gastrointestinal stromal tumor, somatic; Gastrointestinal stroma tumor. Identifiers: Orphanet 44890, MedGen C0238198, MeSH D046152, MONDO:0011719, OMIM 606764, HP:0100723.

gnomAD v4.1: 1 of 1,614,122 alleles (0.000062%); highest among the groups gnomAD compares: Non-Finnish European, 0.000085%; no homozygotes.

Submission:

Labcorp Genetics (formerly Invitae), Labcorp
Classification: Uncertain significance for Gastrointestinal stromal tumor; Pheochromocytoma/paraganglioma syndrome 4; Pheochromocytoma. Last evaluated: 2024-09-09. Review status: criteria provided, single submitter. Criteria: Invitae Variant Classification Sherloc (09022015). Collection method: clinical testing. Allele origin: germline.
Comment: This sequence change replaces asparagine, which is neutral and polar, with lysine, which is basic and polar, at codon 104 of the SDHB protein (p.Asn104Lys). This variant is not present in population databases (gnomAD no frequency). This variant has not been reported in the literature in individuals affected with SDHB-related conditions. Invitae Evidence Modeling of protein sequence and biophysical properties (such as structural, functional, and spatial information, amino acid conservation, physicochemical variation, residue mobility, and thermodynamic stability) indicates that this missense variant is expected to disrupt SDHB protein function with a positive predictive value of 80%. In summary, the available evidence is currently insufficient to determine the role of this variant in disease. Therefore, it has been classified as a Variant of Uncertain Significance.

NM_003000.3(SDHB):c.312C>G (p.Asn104Lys)

Gene: SDHB (succinate dehydrogenase complex iron sulfur subunit B; minus strand). Cytogenetic location: 1p36.13.
Variant type: single nucleotide variant.
Coding change: c.312C>G on transcript NM_003000.3 (MANE Select); coding-DNA position 312, C replaced by G.
Protein change: p.Asn104Lys; replaces asparagine 104 with lysine.
Molecular consequence: missense variant.
Genome position (GRCh38, 1-based): chr1:17,028,711, G>C on the plus strand (C>G on the coding strand, the complement: SDHB is on the minus strand). VCF-style: chr1-17028711-G-C. GRCh37 (hg19) VCF-style: chr1-17355206-G-C.
Other names: c.312C>G, p.Asn104Lys (NM_001407361.1); short protein forms N104K.
Identifiers: ClinVar variation 3758209 (VCV003758209.2).
Genomic context (GRCh38, chr1:17,028,711, plus strand): 5'-GACCTTATTGAGGTTGGTGTCAATCCTTCGGGTGCAAGCTAGAGTGTTGCCTCCATTGAT[G>C]TTCATTGCACAAGAGCCACAGATGCCTGAAAGAGACACACATTTAACACATCCTCACCCA-3'
Protein context (NP_002991.2, residues 94-114): REGICGSCAM[Asn104Lys]INGGNTLACT